The following is an entry in ClinVar:

NM_006648.4(WNK2):c.2311G>A (p.Ala771Thr)

Gene: WNK2 (WNK lysine deficient protein kinase 2; plus strand). Cytogenetic location: 9q22.31.
Variant type: single nucleotide variant.
Coding change: c.2311G>A on transcript NM_006648.4 (MANE Select); coding-DNA position 2311, G replaced by A.
Protein change: p.Ala771Thr; replaces alanine 771 with threonine.
Molecular consequence: missense variant.
Genome position (GRCh38, 1-based): chr9:93,257,068, G>A. VCF-style: chr9-93257068-G-A. GRCh37 (hg19) VCF-style: chr9-96019350-G-A.
Other names: c.2311G>A, p.Ala771Thr (NM_001282394.3); short protein forms A771T.
Identifiers: ClinVar variation 4605365 (VCV004605365.1).
Genomic context (GRCh38, chr9:93,257,068, plus strand): 5'-CCCCTCCAGCCGGTTCCCCCCCACCTGCCACCGTACCTGGCTCCAGCCTCCCAGGTGGGG[G>A]CCCCCGCTCAGCTGAAGCCCCTCCAGATGCCACAGGCGCCCCTGCAGCCGCTTGCTCAAG-3'
Protein context (NP_006639.3, residues 761-781): PYLAPASQVG[Ala771Thr]PAQLKPLQMP

ClinVar aggregate classification (germline): Uncertain significance (1 of 4 stars; one submission).

gnomAD v4.1: 1 of 1,606,250 alleles (0.000062%); highest among the groups gnomAD compares: Non-Finnish European, 0.000085%; no homozygotes.

Submission:

Ambry Genetics
Classification: Uncertain significance. Last evaluated: 2025-11-16. Review status: criteria provided, single submitter. Criteria: Ambry Variant Classification Scheme 2023. Collection method: clinical testing. Allele origin: germline.
Comment: The p.A771T variant (also known as c.2311G>A), located in coding exon 10 of the WNK2 gene, results from a G to A substitution at nucleotide position 2311. The alanine at codon 771 is replaced by threonine, an amino acid with similar properties. This amino acid position is conserved. In addition, this alteration is predicted to be tolerated by in silico analysis. Based on the available evidence, the clinical significance of this variant remains unclear.